The following is an entry in ClinVar:

ClinVar aggregate classification (germline): Conflicting classifications of pathogenicity. Review status: criteria provided, conflicting classifications (1 of 4 stars). 4 submissions from 4 submitters: Uncertain significance (1); Likely benign (3). Last evaluated 2025-11-24.

Conditions:
Inborn genetic diseases. Identifiers: MedGen C0950123, MeSH D030342.
KBG syndrome (KBGS). Also called: ANKRD11-Related KBG Syndrome. Identifiers: Orphanet 2332, MedGen C0220687, MONDO:0007846, OMIM 148050.

Allele frequency attached by ClinVar (database versions not stated): ExAC 0.00003; TOPMed 0.00007; 1000 Genomes Project 0.00020; 1000 Genomes Project 30x 0.00031.
gnomAD v4.1: 163 of 1,613,462 alleles (0.01%); highest among the groups gnomAD compares: Non-Finnish European, 0.013%; no homozygotes.

Submissions (4):

Labcorp Genetics (formerly Invitae), Labcorp
Classification: Uncertain significance for KBG syndrome. Last evaluated: 2025-11-24. Review status: criteria provided, single submitter. Criteria: Invitae Variant Classification Sherloc (09022015). Collection method: clinical testing. Allele origin: germline.
Comment: This sequence change replaces valine, which is neutral and non-polar, with leucine, which is neutral and non-polar, at codon 1971 of the ANKRD11 protein (p.Val1971Leu). This variant is present in population databases (rs199737737, gnomAD 0.01%). This variant has not been reported in the literature in individuals affected with ANKRD11-related conditions. ClinVar contains an entry for this variant (Variation ID: 1750457). Invitae Evidence Modeling of protein sequence and biophysical properties (such as structural, functional, and spatial information, amino acid conservation, physicochemical variation, residue mobility, and thermodynamic stability) indicates that this missense variant is not expected to disrupt ANKRD11 protein function with a negative predictive value of 95%. In summary, the available evidence is currently insufficient to determine the role of this variant in disease. Therefore, it has been classified as a Variant of Uncertain Significance.

Blueprint Genetics
Classification: Likely benign. Last evaluated: 2024-01-02. Review status: criteria provided, single submitter. Criteria: ACMG Guidelines, 2015. Collection method: clinical testing. Allele origin: germline.

Ambry Genetics
Classification: Likely benign for Inborn genetic diseases. Last evaluated: 2023-12-15. Review status: criteria provided, single submitter. Criteria: Ambry Variant Classification Scheme 2023. Collection method: clinical testing. Allele origin: germline.

Department of Pathology and Laboratory Medicine, Sinai Health System
Classification: Likely benign for KBG syndrome. Last evaluated: 2022-03-25. Review status: criteria provided, single submitter. Criteria: ACMG Guidelines, 2015. Collection method: research. Allele origin: germline.

NM_013275.6(ANKRD11):c.5911G>C (p.Val1971Leu)

Gene: ANKRD11 (ankyrin repeat domain 11; minus strand). Cytogenetic location: 16q24.3.
Variant type: single nucleotide variant.
Coding change: c.5911G>C on transcript NM_013275.6 (MANE Select); coding-DNA position 5911, G replaced by C.
Protein change: p.Val1971Leu; replaces valine 1971 with leucine.
Molecular consequence: missense variant.
Genome position (GRCh38, 1-based): chr16:89,280,631, C>G on the plus strand (G>C on the coding strand, the complement: ANKRD11 is on the minus strand). VCF-style: chr16-89280631-C-G. GRCh37 (hg19) VCF-style: chr16-89347039-C-G.
Other names: c.5911G>C, p.Val1971Leu (NM_001256182.2, NM_001256183.2); short protein forms V1971L.
Identifiers: ClinVar variation 1750457 (VCV001750457.9), dbSNP rs199737737, ClinGen allele CA8241676.
Genomic context (GRCh38, chr16:89,280,631, plus strand): 5'-GGGACTCGGGGAATCTCTGTGGAGACTTCAGCAGGAGGTCCGAGCCCACAGGCCAGCTCA[C>G]AGGGTTTTCAGAGGTGCCCCCGATCAGGCTAGAGGCAAGCGCCTGCTCGGAGGGGTGGGC-3'
Protein context (NP_037407.4, residues 1961-1981): SLIGGTSENP[Val1971Leu]SWPVGSDLLL